The following is an entry in ClinVar:

ClinVar aggregate classification (germline): Uncertain significance. Review status: criteria provided, multiple submitters, no conflicts (2 of 4 stars). 2 submissions from 2 submitters: Uncertain significance (2). Last evaluated 2026-04-07.

Conditions:
Hereditary cancer-predisposing syndrome. Also called: Tumor predisposition; Neoplastic Syndromes, Hereditary; Hereditary Cancer Syndrome; Hereditary neoplastic syndrome. Identifiers: Orphanet 140162, MedGen C0027672, MeSH D009386, MONDO:0015356.
Cardiovascular phenotype. Identifiers: MedGen CN230736.
Neurofibromatosis, type 1 (NF1). Also called: NEUROFIBROMATOSIS, TYPE I, SOMATIC; Peripheral type neurofibromatosis; VON RECKLINGHAUSEN DISEASE; Neurofibromatosis, type I. Identifiers: Orphanet 636, MedGen C0027831, MONDO:0018975, OMIM 162200. Disease mechanism: loss of function.

Submissions (2):

Ambry Genetics
Classification: Uncertain significance for Cardiovascular phenotype; Hereditary cancer-predisposing syndrome. Last evaluated: 2026-04-07. Review status: criteria provided, single submitter. Criteria: Ambry Variant Classification Scheme 2023. Collection method: clinical testing. Allele origin: germline.
Comment: The p.M1149L variant (also known as c.3445A>T), located in coding exon 26 of the NF1 gene, results from an A to T substitution at nucleotide position 3445. The methionine at codon 1149 is replaced by leucine, an amino acid with highly similar properties. This variant was reported in individual(s) with features consistent with Neurofibromatosis type 1 (Koczkowska M et al. Hum Mutat, 2020 Jan;41:299-315; Ambry internal data). This amino acid position is highly conserved in available vertebrate species. In addition, the in silico prediction for this alteration is inconclusive. Based on the available evidence, the clinical significance of this variant remains unclear.

Labcorp Genetics (formerly Invitae), Labcorp
Classification: Uncertain significance for Neurofibromatosis, type 1. Last evaluated: 2021-03-17. Review status: criteria provided, single submitter. Criteria: Invitae Variant Classification Sherloc (09022015). Collection method: clinical testing. Allele origin: germline.
Comment: This variant is not present in population databases (ExAC no frequency). In summary, the available evidence is currently insufficient to determine the role of this variant in disease. Therefore, it has been classified as a Variant of Uncertain Significance. This variant disrupts the p.Met1149 amino acid residue in NF1. Other variant(s) that disrupt this residue have been determined to be pathogenic (PMID: 27322474, 16944272, 23656349, 24711935, 28706617). This suggests that this residue is clinically significant, and that variants that disrupt this residue are likely to be disease-causing. Algorithms developed to predict the effect of missense changes on protein structure and function are either unavailable or do not agree on the potential impact of this missense change (SIFT: "Tolerated"; PolyPhen-2: "Possibly Damaging"; Align-GVGD: "Class C0"). This variant has been observed in individual(s) with clinical features of NF1-related conditions (PMID: 31595648). This sequence change replaces methionine with leucine at codon 1149 of the NF1 protein (p.Met1149Leu). The methionine residue is moderately conserved and there is a small physicochemical difference between methionine and leucine.

Literature cited by the submitters: PubMed 31595648 (cited by Ambry Genetics and Labcorp Genetics (formerly Invitae), Labcorp); PubMed 27322474 (cited by Labcorp Genetics (formerly Invitae), Labcorp); PubMed 16944272 (cited by Labcorp Genetics (formerly Invitae), Labcorp); PubMed 23656349 (cited by Labcorp Genetics (formerly Invitae), Labcorp); PubMed 24711935 (cited by Labcorp Genetics (formerly Invitae), Labcorp); PubMed 28706617 (cited by Labcorp Genetics (formerly Invitae), Labcorp).

NM_001042492.3(NF1):c.3445A>T (p.Met1149Leu)

Gene: NF1 (neurofibromin 1; plus strand). Cytogenetic location: 17q11.2.
Variant type: single nucleotide variant.
Coding change: c.3445A>T on transcript NM_001042492.3 (MANE Select); coding-DNA position 3445, A replaced by T.
Protein change: p.Met1149Leu; replaces methionine 1149 with leucine.
Molecular consequence: missense variant.
Genome position (GRCh38, 1-based): chr17:31,232,830, A>T. VCF-style: chr17-31232830-A-T. GRCh37 (hg19) VCF-style: chr17-29559848-A-T.
Other names: c.3445A>T, p.Met1149Leu (NM_000267.4); short protein forms M1149L.
Identifiers: ClinVar variation 1399256 (VCV001399256.9), dbSNP rs1187097568, ClinGen allele CA398989298.